The following is an entry in ClinVar:

NM_001365999.1(SZT2):c.1957G>A (p.Val653Ile)

Gene: SZT2 (SZT2 subunit of KICSTOR complex; plus strand). Cytogenetic location: 1p34.2.
Variant type: single nucleotide variant.
Coding change: c.1957G>A on transcript NM_001365999.1 (MANE Select); coding-DNA position 1957, G replaced by A.
Protein change: p.Val653Ile; replaces valine 653 with isoleucine.
Molecular consequence: missense variant.
Genome position (GRCh38, 1-based): chr1:43,422,803, G>A. VCF-style: chr1-43422803-G-A. GRCh37 (hg19) VCF-style: chr1-43888474-G-A.
Other names: c.1957G>A, p.Val653Ile (NM_015284.4); short protein forms V653I.
Identifiers: ClinVar variation 1399392 (VCV001399392.8), dbSNP rs2153932580, ClinGen allele CA340010580.

ClinVar aggregate classification (germline): Uncertain significance (1 of 4 stars; one submission).

gnomAD v4.1: 1 of 1,593,402 alleles (0.000063%); highest among the groups gnomAD compares: Non-Finnish European, 0.000085%; no homozygotes.

Submission:

Labcorp Genetics (formerly Invitae), Labcorp
Classification: Uncertain significance. Last evaluated: 2025-01-27. Review status: criteria provided, single submitter. Criteria: Invitae Variant Classification Sherloc (09022015). Collection method: clinical testing. Allele origin: germline.
Comment: This sequence change replaces valine, which is neutral and non-polar, with isoleucine, which is neutral and non-polar, at codon 653 of the SZT2 protein (p.Val653Ile). This variant is not present in population databases (gnomAD no frequency). This variant has not been reported in the literature in individuals affected with SZT2-related conditions. ClinVar contains an entry for this variant (Variation ID: 1399392). Invitae Evidence Modeling of protein sequence and biophysical properties (such as structural, functional, and spatial information, amino acid conservation, physicochemical variation, residue mobility, and thermodynamic stability) indicates that this missense variant is not expected to disrupt SZT2 protein function with a negative predictive value of 80%. In summary, the available evidence is currently insufficient to determine the role of this variant in disease. Therefore, it has been classified as a Variant of Uncertain Significance.